The following is an entry in ClinVar:

NM_004990.4(MARS1):c.2447G>A (p.Arg816His)

Gene: MARS1 (methionyl-tRNA synthetase 1; plus strand). Cytogenetic location: 12q13.3.
Variant type: single nucleotide variant.
Coding change: c.2447G>A on transcript NM_004990.4 (MANE Select); coding-DNA position 2447, G replaced by A.
Protein change: p.Arg816His; replaces arginine 816 with histidine.
Molecular consequence: missense variant.
Genome position (GRCh38, 1-based): chr12:57,515,975, G>A. VCF-style: chr12-57515975-G-A. GRCh37 (hg19) VCF-style: chr12-57909758-G-A.
Other names: short protein forms R816H.
Identifiers: ClinVar variation 1029914 (VCV001029914.8), dbSNP rs150482634, ClinGen allele CA6650808.

ClinVar aggregate classification (germline): Uncertain significance. Review status: criteria provided, multiple submitters, no conflicts (2 of 4 stars). 4 submissions from 4 submitters: Uncertain significance (4). Last evaluated 2026-02-07.

Conditions:
Charcot-Marie-Tooth disease axonal type 2U. Also called: CHARCOT-MARIE-TOOTH NEUROPATHY, TYPE 2U; CHARCOT-MARIE-TOOTH DISEASE, AXONAL, AUTOSOMAL DOMINANT, TYPE 2U. Identifiers: Orphanet 397735, MedGen C4084821, MONDO:0014566, OMIM 616280.
Severe early-onset pulmonary alveolar proteinosis due to MARS deficiency. Also called: Interstitial lung and liver disease; PULMONARY ALVEOLAR PROTEINOSIS, REUNION ISLAND. Identifiers: Orphanet 440427, MedGen C4225400, MONDO:0014206, OMIM 615486.
MARS1-related disorder. Also called: MARS1-related condition.

Allele frequency attached by ClinVar (database versions not stated): ExAC 0.00002; gnomAD 0.00002 and 0.00003; gnomAD exomes 0.00003 and 0.00005; TOPMed 0.00003; ESP Exome Variant Server 0.00015.
gnomAD v4.1: 85 of 1,614,022 alleles (0.0053%); highest among the groups gnomAD compares: Non-Finnish European, 0.0067%; no homozygotes.

Submissions (4):

PreventionGenetics, part of Exact Sciences
Classification: Uncertain significance for MARS1-related condition. Last evaluated: 2026-02-07. Review status: criteria provided, single submitter. Criteria: ACMG Guidelines, 2015. Collection method: clinical testing. Allele origin: germline.
Comment: The MARS1 c.2447G>A variant is predicted to result in the amino acid substitution p.Arg816His. To our knowledge, this variant has not been reported in the literature. This variant is reported in 0.0062% of alleles in individuals of European (non-Finnish) descent in gnomAD. At this time, the clinical significance of this variant is uncertain due to the absence of conclusive functional and genetic evidence.

Ambry Genetics
Classification: Uncertain significance. Last evaluated: 2025-08-27. Review status: criteria provided, single submitter. Criteria: Ambry Variant Classification Scheme 2023. Collection method: clinical testing. Allele origin: germline.

Labcorp Genetics (formerly Invitae), Labcorp
Classification: Uncertain significance for Charcot-Marie-Tooth disease axonal type 2U; Severe early-onset pulmonary alveolar proteinosis due to MARS deficiency. Last evaluated: 2024-03-02. Review status: criteria provided, single submitter. Criteria: Invitae Variant Classification Sherloc (09022015). Collection method: clinical testing. Allele origin: germline.
Comment: This sequence change replaces arginine, which is basic and polar, with histidine, which is basic and polar, at codon 816 of the MARS protein (p.Arg816His). This variant is present in population databases (rs150482634, gnomAD 0.006%). This variant has not been reported in the literature in individuals affected with MARS-related conditions. ClinVar contains an entry for this variant (Variation ID: 1029914). Algorithms developed to predict the effect of missense changes on protein structure and function output the following: SIFT: "Not Available"; PolyPhen-2: "Benign"; Align-GVGD: "Not Available". The histidine amino acid residue is found in multiple mammalian species, which suggests that this missense change does not adversely affect protein function. In summary, the available evidence is currently insufficient to determine the role of this variant in disease. Therefore, it has been classified as a Variant of Uncertain Significance.

Baylor Genetics
Classification: Uncertain significance for Charcot-Marie-Tooth disease axonal type 2U. Last evaluated: 2019-02-01. Review status: criteria provided, single submitter. Criteria: ACMG Guidelines, 2015. Collection method: clinical testing. Allele origin: maternal. Affected: yes.
Comment: This variant was determined to be of uncertain significance according to ACMG Guidelines, 2015 [PMID:25741868].